The following is an entry in ClinVar:

NM_001378454.1(ALMS1):c.5115A>G (p.Pro1705=)

Gene: ALMS1 (ALMS1 centrosome and basal body associated protein; plus strand). Cytogenetic location: 2p13.1.
Variant type: single nucleotide variant.
Coding change: c.5115A>G on transcript NM_001378454.1 (MANE Select); coding-DNA position 5115, A replaced by G.
Protein change: p.Pro1705=; no amino-acid change (proline 1705 retained).
Molecular consequence: synonymous variant.
Genome position (GRCh38, 1-based): chr2:73,451,642, A>G. VCF-style: chr2-73451642-A-G. GRCh37 (hg19) VCF-style: chr2-73678769-A-G.
Other names: c.5118A>G, p.Pro1706= (NM_015120.4).
Identifiers: ClinVar variation 1616026 (VCV001616026.11), dbSNP rs2103785134, ClinGen allele CA427021858.
Genomic context (GRCh38, chr2:73,451,642, plus strand): 5'-TGAAGAAGCTCTGAAAGTTCCACCTGTTCCTGGACCAGATGCCCAGAAGACTGAGACACC[A>G]TCAGTATCCTCTAGTTTATACTCATATAGAGAGAAGCCCATTGTCTTCTACCAACAGGCC-3'
Protein context (NP_001365383.1, residues 1695-1715): PGPDAQKTET[Pro1705=]SVSSSLYSYR

ClinVar aggregate classification (germline): Likely benign. Review status: criteria provided, multiple submitters, no conflicts (2 of 4 stars). 3 submissions from 3 submitters: Likely benign (3). Last evaluated 2023-08-16.

Conditions:
ALMS1-related disorder. Also called: ALMS1-related condition.
Cardiovascular phenotype. Identifiers: MedGen CN230736.
Alstrom syndrome (ALMS). Identifiers: Orphanet 64, MedGen C0268425, MONDO:0008763, OMIM 203800.

Submissions (3):

Labcorp Genetics (formerly Invitae), Labcorp
Classification: Likely benign for Alstrom syndrome. Last evaluated: 2023-08-16. Review status: criteria provided, single submitter. Criteria: Invitae Variant Classification Sherloc (09022015). Collection method: clinical testing. Allele origin: germline.

PreventionGenetics, part of Exact Sciences
Classification: Likely benign for ALMS1-related condition. Last evaluated: 2021-07-01. Review status: criteria provided, single submitter. Criteria: ACMG Guidelines, 2015. Collection method: clinical testing. Allele origin: germline.
Comment: This variant is classified as likely benign based on ACMG/AMP sequence variant interpretation guidelines (Richards et al. 2015 PMID: 25741868, with internal and published modifications).

Ambry Genetics
Classification: Likely benign for Cardiovascular phenotype. Last evaluated: 2020-01-12. Review status: criteria provided, single submitter. Criteria: Ambry Variant Classification Scheme 2023. Collection method: clinical testing. Allele origin: germline.